The following is an entry in ClinVar:

NM_000051.4(ATM):c.8419-8A>G

Genes: ATM (ATM serine/threonine kinase; plus strand), C11orf65 (chromosome 11 open reading frame 65; minus strand). Cytogenetic location: 11q22.3.
Variant type: single nucleotide variant.
Coding change: c.8419-8A>G on transcript NM_000051.4 (MANE Select); 8 bases into the intron before coding-DNA position 8419, A replaced by G.
Molecular consequence: intron variant.
Genome position (GRCh38, 1-based): chr11:108,345,735, A>G. VCF-style: chr11-108345735-A-G. GRCh37 (hg19) VCF-style: chr11-108216462-A-G.
Other names: c.8419-8A>G (NM_001351834.2); c.641-36664T>C (NM_001330368.2); c.695-10443T>C (NM_001351110.2).
Identifiers: ClinVar variation 490733 (VCV000490733.19), dbSNP rs567215034, ClinGen allele CA6266369.

ClinVar aggregate classification (germline): Conflicting classifications of pathogenicity. Review status: criteria provided, conflicting classifications (1 of 4 stars). 5 submissions from 5 submitters: Uncertain significance (1); Likely benign (4). Last evaluated 2026-01-31.

Conditions:
Hereditary cancer-predisposing syndrome. Also called: Hereditary Cancer Syndrome; Neoplastic Syndromes, Hereditary; Tumor predisposition; Hereditary neoplastic syndrome. Identifiers: Orphanet 140162, MedGen C0027672, MeSH D009386, MONDO:0015356.
Ataxia-telangiectasia syndrome (AT). Also called: Cerebello-oculocutaneous telangiectasia; Immunodeficiency with ataxia telangiectasia; Ataxia-telangiectasia, complementation group E; Ataxia-telangiectasia, complementation group D; AT, COMPLEMENTATION GROUP C; ATAXIA-TELANGIECTASIA, COMPLEMENTATION GROUP A. Identifiers: Orphanet 100, MedGen C0004135, MONDO:0008840, OMIM 208900.
Familial cancer of breast. Also called: BREAST CANCER, FAMILIAL; Hereditary breast cancer; hereditary breast carcinoma. Identifiers: Orphanet 227535, MedGen C0346153, MONDO:0016419, OMIM 114480. Disease mechanism: loss of function.

Allele frequency attached by ClinVar (database versions not stated): gnomAD 0.00001; 1000 Genomes Project 0.00040; ExAC 0.00004; 1000 Genomes Project 30x 0.00031.
gnomAD v4.1: 21 of 1,588,824 alleles (0.0013%); highest among the groups gnomAD compares: South Asian, 0.016%; no homozygotes.

Submissions (5):

Labcorp Genetics (formerly Invitae), Labcorp
Classification: Likely benign for Ataxia-telangiectasia syndrome. Last evaluated: 2026-01-31. Review status: criteria provided, single submitter. Criteria: Invitae Variant Classification Sherloc (09022015). Collection method: clinical testing. Allele origin: germline.

Myriad Genetics, Inc.
Classification: Likely benign for Familial cancer of breast. Last evaluated: 2024-06-19. Review status: criteria provided, single submitter. Criteria: Myriad Autosomal Dominant, Autosomal Recessive and X-Linked Classification Criteria (2023). Collection method: clinical testing. Allele origin: unknown.
Comment: This variant is considered likely benign. This variant is intronic and is not expected to impact mRNA splicing.

GeneDx
Classification: Likely benign. Last evaluated: 2018-06-27. Review status: criteria provided, single submitter. Criteria: GeneDx Variant Classification Process June 2021. Collection method: clinical testing. Allele origin: germline. Affected: yes.

Genetic Services Laboratory, University of Chicago
Classification: Uncertain significance. Last evaluated: 2018-02-23. Review status: criteria provided, single submitter. Criteria: ACMG Guidelines, 2015. Collection method: clinical testing. Allele origin: germline. Affected: no.

Color Diagnostics, LLC DBA Color Health
Classification: Likely benign for Hereditary cancer-predisposing syndrome. Last evaluated: 2016-11-15. Review status: criteria provided, single submitter. Criteria: ACMG Guidelines, 2015. Collection method: clinical testing. Allele origin: germline.